The following is an entry in ClinVar:

NM_138713.4(NFAT5):c.3171A>G (p.Gln1057=)

Gene: NFAT5 (nuclear factor of activated T cells 5; plus strand). Cytogenetic location: 16q22.1.
Variant type: single nucleotide variant.
Coding change: c.3171A>G on transcript NM_138713.4 (MANE Select); coding-DNA position 3171, A replaced by G.
Protein change: p.Gln1057=; no amino-acid change (glutamine 1057 retained).
Molecular consequence: synonymous variant.
Genome position (GRCh38, 1-based): chr16:69,692,996, A>G. VCF-style: chr16-69692996-A-G. GRCh37 (hg19) VCF-style: chr16-69726899-A-G.
Other names: c.3168A>G, p.Gln1056= (NM_001113178.3); c.2496A>G, p.Gln832= (NM_001367709.1); c.3117A>G, p.Gln1039= (NM_006599.4); c.2889A>G, p.Gln963= (NM_138714.4, NM_173214.3, NM_173215.3).
Identifiers: ClinVar variation 731984 (VCV000731984.12), dbSNP rs374613148, ClinGen allele CA8135859.

ClinVar aggregate classification (germline): Likely benign. Review status: criteria provided, single submitter (1 of 4 stars). 2 submissions from 2 submitters: Likely benign (1). 1 of the submissions does not count toward it. Last evaluated 2026-01-12.

Conditions:
NFAT5-related disorder. Also called: NFAT5-related condition.
Immunodeficiency. Identifiers: MedGen C0021051, MONDO:0021094, HP:0002721.

Allele frequency attached by ClinVar (database versions not stated): TOPMed 0.00003; ExAC 0.00004; gnomAD exomes 0.00004 and 0.00009; gnomAD 0.00005 and 0.00006; ESP Exome Variant Server 0.00008.
gnomAD v4.1: 138 of 1,614,058 alleles (0.0085%); highest among the groups gnomAD compares: Non-Finnish European, 0.011%; no homozygotes.

Submissions (2):

Labcorp Genetics (formerly Invitae), Labcorp
Classification: Likely benign for Immunodeficiency. Last evaluated: 2026-01-12. Review status: criteria provided, single submitter. Criteria: Invitae Variant Classification Sherloc (09022015). Collection method: clinical testing. Allele origin: germline.

PreventionGenetics, part of Exact Sciences
Classification: Likely benign for NFAT5-related condition. Last evaluated: 2019-04-25. Review status: no assertion criteria provided. Collection method: clinical testing. Allele origin: germline. Not counted in ClinVar's aggregate classification.
Comment: This variant is classified as likely benign based on ACMG/AMP sequence variant interpretation guidelines (Richards et al. 2015 PMID: 25741868, with internal and published modifications).